The following is an entry in ClinVar:

NM_014413.4(EIF2AK1):c.1771C>T (p.Leu591Phe)

Gene: EIF2AK1 (eukaryotic translation initiation factor 2 alpha kinase 1; minus strand). Cytogenetic location: 7p22.1.
Variant type: single nucleotide variant.
Coding change: c.1771C>T on transcript NM_014413.4 (MANE Select); coding-DNA position 1771, C replaced by T.
Protein change: p.Leu591Phe; replaces leucine 591 with phenylalanine.
Molecular consequence: missense variant.
Genome position (GRCh38, 1-based): chr7:6,024,795, G>A on the plus strand (C>T on the coding strand, the complement: EIF2AK1 is on the minus strand). VCF-style: chr7-6024795-G-A. GRCh37 (hg19) VCF-style: chr7-6064426-G-A.
Other names: c.1768C>T, p.Leu590Phe (NM_001134335.2); c.1771C>T (NM_014413.3); short protein forms L590F, L591F.
Identifiers: ClinVar variation 2110315 (VCV002110315.5), dbSNP rs377721813, ClinGen allele CA153270052.

ClinVar aggregate classification (germline): Conflicting classifications of pathogenicity. Review status: criteria provided, conflicting classifications (1 of 4 stars). 2 submissions from 2 submitters: Uncertain significance (1); Likely benign (1). Last evaluated 2025-05-05.

Allele frequency attached by ClinVar (database versions not stated): gnomAD 0.00001; ESP Exome Variant Server 0.00008.
gnomAD v4.1: 2 of 1,530,352 alleles (0.00013%); highest among the groups gnomAD compares: African/African-American, 0.0029%; no homozygotes.

Submissions (2):

Ambry Genetics
Classification: Likely benign. Last evaluated: 2025-05-05. Review status: criteria provided, single submitter. Criteria: Ambry Variant Classification Scheme 2023. Collection method: clinical testing. Allele origin: germline.

Labcorp Genetics (formerly Invitae), Labcorp
Classification: Uncertain significance. Last evaluated: 2022-03-23. Review status: criteria provided, single submitter. Criteria: Invitae Variant Classification Sherloc (09022015). Collection method: clinical testing. Allele origin: germline.
Comment: This sequence change replaces leucine, which is neutral and non-polar, with phenylalanine, which is neutral and non-polar, at codon 591 of the EIF2AK1 protein (p.Leu591Phe). This variant is present in population databases (rs377721813, gnomAD 0.01%). In summary, the available evidence is currently insufficient to determine the role of this variant in disease. Therefore, it has been classified as a Variant of Uncertain Significance. Algorithms developed to predict the effect of missense changes on protein structure and function output the following: SIFT: "Tolerated"; PolyPhen-2: "Benign"; Align-GVGD: "Class C0". The phenylalanine amino acid residue is found in multiple mammalian species, which suggests that this missense change does not adversely affect protein function. This variant has not been reported in the literature in individuals affected with EIF2AK1-related conditions.